The following is an entry in ClinVar:

NM_001458.5(FLNC):c.5581C>T (p.His1861Tyr)

Genes: FLNC-AS1 (FLNC antisense RNA 1; minus strand), FLNC (filamin C; plus strand). Cytogenetic location: 7q32.1.
Variant type: single nucleotide variant.
Coding change: c.5581C>T on transcript NM_001458.5 (MANE Select); coding-DNA position 5581, C replaced by T.
Protein change: p.His1861Tyr; replaces histidine 1861 with tyrosine.
Molecular consequence: missense variant.
Genome position (GRCh38, 1-based): chr7:128,851,273, C>T. VCF-style: chr7-128851273-C-T. GRCh37 (hg19) VCF-style: chr7-128491327-C-T.
Other names: c.5482C>T, p.His1828Tyr (NM_001127487.2); short protein forms H1828Y, H1861Y.
Identifiers: ClinVar variation 2951154 (VCV002951154.3), dbSNP rs2536655724, ClinGen allele CA369207356.

ClinVar aggregate classification (germline): Uncertain significance (1 of 4 stars; one submission).

Conditions:
Myofibrillar myopathy 5. Also called: Filaminopathy (type); FILAMINOPATHY, AUTOSOMAL DOMINANT. Identifiers: Orphanet 171445, MedGen C1836050, MONDO:0012289, OMIM 609524.
Distal myopathy with posterior leg and anterior hand involvement. Also called: WILLIAMS DISTAL MYOPATHY. Identifiers: Orphanet 63273, MedGen C3279722, MONDO:0013550, OMIM 614065.
Hypertrophic cardiomyopathy 26. Also called: Cardiomyopathy, familial hypertrophic, 26. Identifiers: Orphanet 75249, MedGen C4310749, MONDO:0014883, OMIM 617047.

Allele frequency attached by ClinVar (database versions not stated): gnomAD exomes below 0.00001.
gnomAD v4.1: 1 of 1,614,108 alleles (0.000062%); highest among the groups gnomAD compares: African/African-American, 0.0013%; no homozygotes.

Submission:

Labcorp Genetics (formerly Invitae), Labcorp
Classification: Uncertain significance for Distal myopathy with posterior leg and anterior hand involvement; Myofibrillar myopathy 5; Hypertrophic cardiomyopathy 26. Last evaluated: 2023-08-20. Review status: criteria provided, single submitter. Criteria: Invitae Variant Classification Sherloc (09022015). Collection method: clinical testing. Allele origin: germline.
Comment: Advanced modeling of protein sequence and biophysical properties (such as structural, functional, and spatial information, amino acid conservation, physicochemical variation, residue mobility, and thermodynamic stability) has been performed at Invitae for this missense variant, however the output from this modeling did not meet the statistical confidence thresholds required to predict the impact of this variant on FLNC protein function. In summary, the available evidence is currently insufficient to determine the role of this variant in disease. Therefore, it has been classified as a Variant of Uncertain Significance. This variant has not been reported in the literature in individuals affected with FLNC-related conditions. This sequence change replaces histidine, which is basic and polar, with tyrosine, which is neutral and polar, at codon 1861 of the FLNC protein (p.His1861Tyr). This variant is not present in population databases (gnomAD no frequency).